The following is an entry in ClinVar:

ClinVar aggregate classification (germline): Uncertain significance (1 of 4 stars; one submission).

Submission:

Labcorp Genetics (formerly Invitae), Labcorp
Classification: Uncertain significance. Last evaluated: 2024-10-10. Review status: criteria provided, single submitter. Criteria: Invitae Variant Classification Sherloc (09022015). Collection method: clinical testing. Allele origin: germline.
Comment: This sequence change replaces serine, which is neutral and polar, with threonine, which is neutral and polar, at codon 68 of the EMC1 protein (p.Ser68Thr). This variant is not present in population databases (gnomAD no frequency). This variant has not been reported in the literature in individuals affected with EMC1-related conditions. ClinVar contains an entry for this variant (Variation ID: 2133353). Invitae Evidence Modeling of protein sequence and biophysical properties (such as structural, functional, and spatial information, amino acid conservation, physicochemical variation, residue mobility, and thermodynamic stability) indicates that this missense variant is not expected to disrupt EMC1 protein function with a negative predictive value of 80%. In summary, the available evidence is currently insufficient to determine the role of this variant in disease. Therefore, it has been classified as a Variant of Uncertain Significance.

NM_015047.3(EMC1):c.202T>A (p.Ser68Thr)

Gene: EMC1 (ER membrane protein complex subunit 1; minus strand). Cytogenetic location: 1p36.13.
Variant type: single nucleotide variant.
Coding change: c.202T>A on transcript NM_015047.3 (MANE Select); coding-DNA position 202, T replaced by A.
Protein change: p.Ser68Thr; replaces serine 68 with threonine.
Molecular consequence: missense variant.
Genome position (GRCh38, 1-based): chr1:19,244,924, A>T on the plus strand (T>A on the coding strand, the complement: EMC1 is on the minus strand). VCF-style: chr1-19244924-A-T. GRCh37 (hg19) VCF-style: chr1-19571418-A-T.
Other names: c.202T>A, p.Ser68Thr (NM_001271427.2, NM_001271428.2, NM_001271429.2 and 2 more transcripts); short protein forms S68T.
Identifiers: ClinVar variation 2133353 (VCV002133353.4), dbSNP rs2536814414, ClinGen allele CA338773717.